The following is an entry in ClinVar:

ClinVar aggregate classification (germline): Conflicting classifications of pathogenicity. Review status: criteria provided, conflicting classifications (1 of 4 stars). 9 submissions from 8 submitters: Uncertain significance (7); Likely benign (1). 1 of the submissions does not count toward it. Last evaluated 2026-02-02.

Conditions:
Muscular dystrophy-dystroglycanopathy (congenital with brain and eye anomalies), type A5. Also called: MUSCULAR DYSTROPHY-DYSTROGLYCANOPATHY (CONGENITAL WITH BRAIN AND EYE ANOMALIES), TYPE A, 5; WALKER-WARBURG SYNDROME OR MUSCLE-EYE-BRAIN DISEASE, FKRP-RELATED. Identifiers: Orphanet 588, Orphanet 899, MedGen C3150413, MONDO:0013157, OMIM 613153.
Muscular dystrophy-dystroglycanopathy type B5 (MDDGB5). Also called: MUSCULAR DYSTROPHY, CONGENITAL, 1C; MUSCULAR DYSTROPHY, CONGENITAL, FKRP-RELATED; MUSCULAR DYSTROPHY-DYSTROGLYCANOPATHY (CONGENITAL WITH OR WITHOUT IMPAIRED INTELLECTUAL DEVELOPMENT), TYPE B, 5. Identifiers: MedGen C1847759, MONDO:0011688, OMIM 606612.
Autosomal recessive limb-girdle muscular dystrophy type 2I. Also called: MUSCULAR DYSTROPHY, LIMB-GIRDLE, TYPE 2I; MUSCULAR DYSTROPHY-DYSTROGLYCANOPATHY (LIMB-GIRDLE), TYPE C, 5; MUSCULAR DYSTROPHY-DYSTROGLYCANOPATHY, LIMB-GIRDLE, FRKP-RELATED. Identifiers: Orphanet 34515, MedGen C1846672, MONDO:0011787, OMIM 607155.
Cardiovascular phenotype. Identifiers: MedGen CN230736.
Walker-Warburg congenital muscular dystrophy. Also called: Muscular dystrophy-dystroglycanopathy, type A; Walker-Warburg syndrome. Identifiers: Orphanet 899, MedGen C0265221, MONDO:0000171.
Muscular dystrophy-dystroglycanopathy (congenital with brain and eye anomalies), type A1 (MDDGA1). Also called: Muscular dystrophy-dystroglycanopathy (congenital with brain and eye anomalies), type A, 1; WALKER-WARBURG SYNDROME OR MUSCLE-EYE-BRAIN DISEASE, POMT1-RELATED; Hydrocephalus, agyria and retinal dysplasia; Hard +/- E syndrome; Warburg syndrome; Chemke syndrome. Identifiers: Orphanet 588, Orphanet 899, MedGen C4284790, MONDO:0009364, OMIM 236670.

Allele frequency attached by ClinVar (database versions not stated): ExAC below 0.00001; gnomAD exomes 0.00004 and 0.00006; 1000 Genomes Project 30x 0.00016; gnomAD 0.00062 and 0.00071; TOPMed 0.00063.
gnomAD v4.1: 153 of 1,559,206 alleles (0.0098%); highest among the groups gnomAD compares: African/African-American, 0.19%; no homozygotes.

Submissions (9):

Women's Health and Genetics/Laboratory Corporation of America, LabCorp
Classification: Uncertain significance. Last evaluated: 2026-02-02. Review status: criteria provided, single submitter. Criteria: LabCorp Variant Classification Summary - May 2015. Collection method: clinical testing. Allele origin: germline.
Comment: Variant summary: FKRP c.904G>A (p.Gly302Ser) results in a non-conservative amino acid change in the encoded protein sequence. Algorithms developed to predict the effect of missense changes on protein structure and function all suggest that this variant is likely to be disruptive. The variant allele was found at a frequency of 6.5e-05 in 154306 control chromosomes. This frequency is not significantly higher than estimated for disease-causing variants in FKRP, allowing no conclusion about variant significance. c.904G>A has been observed in two heterozygous individual(s) affected with Limb-Girdle Muscular Dystrophy (Nallamilli_2018). These report(s) do not provide unequivocal conclusions about association of the variant with Limb-Girdle Muscular Dystrophy, Autosomal Recessive. To our knowledge, no experimental evidence demonstrating an impact on protein function has been reported. The following publication have been ascertained in the context of this evaluation (PMID: 30564623). ClinVar contains an entry for this variant (Variation ID: 289722). Based on the evidence outlined above, the variant was classified as uncertain significance.

Labcorp Genetics (formerly Invitae), Labcorp
Classification: Likely benign for Walker-Warburg congenital muscular dystrophy. Last evaluated: 2026-01-31. Review status: criteria provided, single submitter. Criteria: Invitae Variant Classification Sherloc (09022015). Collection method: clinical testing. Allele origin: germline.

Ambry Genetics
Classification: Uncertain significance for Cardiovascular phenotype. Last evaluated: 2025-04-02. Review status: criteria provided, single submitter. Criteria: Ambry Variant Classification Scheme 2023. Collection method: clinical testing. Allele origin: germline.
Comment: The p.G302S variant (also known as c.904G>A), located in coding exon 1 of the FKRP gene, results from a G to A substitution at nucleotide position 904. The glycine at codon 302 is replaced by serine, an amino acid with similar properties. This variant has been detected in the heterozygous state in two individuals from a cohort with suspected limb-girdle muscular dystrophies; however, details were limited (Nallamilli BRR et al. Ann Clin Transl Neurol. 2018 Dec;5(12):1574-1587). This amino acid position is not well conserved in available vertebrate species. In addition, this alteration is predicted to be tolerated by in silico analysis. Since supporting evidence is limited at this time, the clinical significance of this alteration remains unclear.

GeneDx
Classification: Uncertain significance. Last evaluated: 2025-01-30. Review status: criteria provided, single submitter. Criteria: GeneDx Variant Classification Process June 2021. Collection method: clinical testing. Allele origin: germline. Affected: yes.
Comment: Reported in two individuals in the published literature diagnosed with Limb-girdle muscular dystrophy (PMID: 30564623); In silico analysis indicates that this missense variant does not alter protein structure/function; Missense variants in this gene are a common cause of disease and they are underrepresented in the general population; This variant is associated with the following publications: (PMID: 27439679, 30564623)

Fulgent Genetics
Classification: Uncertain significance for Muscular dystrophy-dystroglycanopathy type B5; Autosomal recessive limb-girdle muscular dystrophy type 2I; Muscular dystrophy-dystroglycanopathy (congenital with brain and eye anomalies), type A5. Last evaluated: 2024-04-16. Review status: criteria provided, single submitter. Criteria: ACMG Guidelines, 2015. Collection method: clinical testing. Allele origin: germline.

Revvity Omics, Revvity
Classification: Uncertain significance. Last evaluated: 2024-03-26. Review status: criteria provided, single submitter. Criteria: ACMG Guidelines, 2015. Collection method: clinical testing. Allele origin: germline.

Fulgent Genetics
Classification: Uncertain significance for Muscular dystrophy-dystroglycanopathy (congenital with brain and eye anomalies), type A1; Muscular dystrophy-dystroglycanopathy type B5; Autosomal recessive limb-girdle muscular dystrophy type 2I; Muscular dystrophy-dystroglycanopathy (congenital with brain and eye anomalies), type A5. Last evaluated: 2018-10-31. Review status: criteria provided, single submitter. Criteria: ACMG Guidelines, 2015. Collection method: clinical testing. Allele origin: unknown.

Eurofins Ntd Llc (ga)
Classification: Uncertain significance. Last evaluated: 2018-06-15. Review status: criteria provided, single submitter. Criteria: EGL ClinVar v180209 classification definitions. Collection method: clinical testing. Allele origin: germline. Observed: 5 variant alleles, 5 heterozygotes.

Natera, Inc.
Classification: Uncertain significance for Limb-girdle muscular dystrophy type 2I. Last evaluated: 2020-09-16. Review status: no assertion criteria provided. Collection method: clinical testing. Allele origin: germline. Not counted in ClinVar's aggregate classification.

Literature cited by the submitters: PubMed 30564623 (cited by Women's Health and Genetics/Laboratory Corporation of America, LabCorp and Ambry Genetics).

NM_024301.5(FKRP):c.904G>A (p.Gly302Ser)

Gene: FKRP (fukutin related protein; plus strand). Cytogenetic location: 19q13.32.
Variant type: single nucleotide variant.
Coding change: c.904G>A on transcript NM_024301.5 (MANE Select); coding-DNA position 904, G replaced by A.
Protein change: p.Gly302Ser; replaces glycine 302 with serine.
Molecular consequence: missense variant.
Genome position (GRCh38, 1-based): chr19:46,756,354, G>A. VCF-style: chr19-46756354-G-A. GRCh37 (hg19) VCF-style: chr19-47259611-G-A.
Other names: c.904G>A, p.Gly302Ser (NM_001039885.3); short protein forms G302S.
Identifiers: ClinVar variation 289722 (VCV000289722.30), dbSNP rs762283381, ClinGen allele CA9532208.
Genomic context (GRCh38, chr19:46,756,354, plus strand): 5'-GGGCGGCTGGAGTGGTTCGGCTGCAACAAGGAGACCACGCGCTGCTTCGGAACCGTGGTG[G>A]GCGACACGCCCGCCTACCTCTACGAGGAGCGCTGGACGCCCCCCTGCTGCCTGCGCGCGC-3'
Protein context (NP_077277.1, residues 292-312): ETTRCFGTVV[Gly302Ser]DTPAYLYEER